The following is an entry in ClinVar:

ClinVar aggregate classification (germline): Uncertain significance. Review status: criteria provided, multiple submitters, no conflicts (2 of 4 stars). 2 submissions from 2 submitters: Uncertain significance (2). Last evaluated 2025-10-10.

Conditions:
Inborn genetic diseases. Identifiers: MedGen C0950123, MeSH D030342.

gnomAD v4.1: 1 of 1,611,492 alleles (0.000062%); highest among the groups gnomAD compares: South Asian, 0.0011%; no homozygotes.

Submissions (2):

Labcorp Genetics (formerly Invitae), Labcorp
Classification: Uncertain significance. Last evaluated: 2025-10-10. Review status: criteria provided, single submitter. Criteria: Invitae Variant Classification Sherloc (09022015). Collection method: clinical testing. Allele origin: germline.
Comment: This sequence change replaces isoleucine, which is neutral and non-polar, with valine, which is neutral and non-polar, at codon 7 of the PPP3CA protein (p.Ile7Val). This variant is not present in population databases (gnomAD no frequency). This variant has not been reported in the literature in individuals affected with PPP3CA-related conditions. ClinVar contains an entry for this variant (Variation ID: 3674973). An algorithm developed to predict the effect of missense changes on protein structure and function (PolyPhen-2) suggests that this variant is likely to be tolerated. In summary, the available evidence is currently insufficient to determine the role of this variant in disease. Therefore, it has been classified as a Variant of Uncertain Significance.

Ambry Genetics
Classification: Uncertain significance for Inborn genetic diseases. Last evaluated: 2025-09-01. Review status: criteria provided, single submitter. Criteria: Ambry Variant Classification Scheme 2023. Collection method: clinical testing. Allele origin: germline.

NM_000944.5(PPP3CA):c.19A>G (p.Ile7Val)

Gene: PPP3CA (protein phosphatase 3 catalytic subunit alpha; minus strand). Cytogenetic location: 4q24.
Variant type: single nucleotide variant.
Coding change: c.19A>G on transcript NM_000944.5 (MANE Select); coding-DNA position 19, A replaced by G.
Protein change: p.Ile7Val; replaces isoleucine 7 with valine.
Molecular consequence: missense variant.
Genome position (GRCh38, 1-based): chr4:101,346,778, T>C on the plus strand (A>G on the coding strand, the complement: PPP3CA is on the minus strand). VCF-style: chr4-101346778-T-C. GRCh37 (hg19) VCF-style: chr4-102267935-T-C.
Other names: c.19A>G (NM_000944.4); c.19A>G, p.Ile7Val (NM_001130691.2, NM_001130692.2); short protein forms I7V.
Identifiers: ClinVar variation 3674973 (VCV003674973.3).